The following is an entry in ClinVar:

NM_000057.4(BLM):c.880G>A (p.Asp294Asn)

Gene: BLM (BLM RecQ like helicase; plus strand). Cytogenetic location: 15q26.1.
Variant type: single nucleotide variant.
Coding change: c.880G>A on transcript NM_000057.4 (MANE Select); coding-DNA position 880, G replaced by A.
Protein change: p.Asp294Asn; replaces aspartic acid 294 with asparagine.
Molecular consequence: missense variant. On other transcripts: 5 prime UTR variant (1).
Genome position (GRCh38, 1-based): chr15:90,751,867, G>A. VCF-style: chr15-90751867-G-A. GRCh37 (hg19) VCF-style: chr15-91295097-G-A.
Other names: c.880G>A, p.Asp294Asn (NM_001287246.2, NM_001287247.2); c.-412G>A (NM_001287248.2); short protein forms D294N.
Identifiers: ClinVar variation 822755 (VCV000822755.7), dbSNP rs1596221148, ClinGen allele CA393841796.

ClinVar aggregate classification (germline): Uncertain significance. Review status: criteria provided, multiple submitters, no conflicts (2 of 4 stars). 2 submissions from 2 submitters: Uncertain significance (2). Last evaluated 2024-07-26.

Conditions:
Hereditary cancer-predisposing syndrome. Also called: Tumor predisposition; Hereditary Cancer Syndrome; Neoplastic Syndromes, Hereditary; Hereditary neoplastic syndrome. Identifiers: Orphanet 140162, MedGen C0027672, MeSH D009386, MONDO:0015356.
Bloom syndrome (BLM). Also called: Bloom-Torre-Machacek syndrome. Identifiers: Orphanet 125, MedGen C0005859, MONDO:0008876, OMIM 210900.

Submissions (2):

Ambry Genetics
Classification: Uncertain significance for Hereditary cancer-predisposing syndrome. Last evaluated: 2024-07-26. Review status: criteria provided, single submitter. Criteria: Ambry Variant Classification Scheme 2023. Collection method: clinical testing. Allele origin: germline.
Comment: The p.D294N variant (also known as c.880G>A), located in coding exon 3 of the BLM gene, results from a G to A substitution at nucleotide position 880. The aspartic acid at codon 294 is replaced by asparagine, an amino acid with highly similar properties. This amino acid position is well conserved in available vertebrate species; however, asparagine is the reference amino acid in other vertebrate species. In addition, this alteration is predicted to be tolerated by in silico analysis. Since supporting evidence is limited at this time, the clinical significance of this alteration remains unclear.

Labcorp Genetics (formerly Invitae), Labcorp
Classification: Uncertain significance for Bloom syndrome. Last evaluated: 2024-03-18. Review status: criteria provided, single submitter. Criteria: Invitae Variant Classification Sherloc (09022015). Collection method: clinical testing. Allele origin: germline.
Comment: This sequence change replaces aspartic acid, which is acidic and polar, with asparagine, which is neutral and polar, at codon 294 of the BLM protein (p.Asp294Asn). This variant is not present in population databases (gnomAD no frequency). This variant has not been reported in the literature in individuals affected with BLM-related conditions. ClinVar contains an entry for this variant (Variation ID: 822755). Advanced modeling of protein sequence and biophysical properties (such as structural, functional, and spatial information, amino acid conservation, physicochemical variation, residue mobility, and thermodynamic stability) performed at Invitae indicates that this missense variant is not expected to disrupt BLM protein function with a negative predictive value of 80%. In summary, the available evidence is currently insufficient to determine the role of this variant in disease. Therefore, it has been classified as a Variant of Uncertain Significance.